The following is an entry in ClinVar:

ClinVar aggregate classification (germline): Uncertain significance. Review status: criteria provided, multiple submitters, no conflicts (2 of 4 stars). 9 submissions from 8 submitters: Uncertain significance (8). 1 of the submissions does not count toward it. Last evaluated 2025-10-22.

Conditions:
PHGDH-related disorder. Also called: PHGDH-related condition.
PHGDH deficiency. Identifiers: Orphanet 79351, MedGen C1866174, MONDO:0011152, OMIM 601815.
Inborn genetic diseases. Identifiers: MedGen C0950123, MeSH D030342.
Neu-Laxova syndrome 1 (NLS1). Identifiers: Orphanet 2671, Orphanet 583607, MedGen C4551478, MONDO:0009736, OMIM 256520. Disease mechanism: loss of function.

Allele frequency attached by ClinVar (database versions not stated): gnomAD exomes 0.00002; gnomAD 0.00005 and 0.00006; TOPMed 0.00005; 1000 Genomes Project 30x 0.00016; 1000 Genomes Project 0.00020.
gnomAD v4.1: 68 of 1,614,132 alleles (0.0042%); highest among the groups gnomAD compares: East Asian, 0.062%; 2 homozygotes.

Submissions (9):

Ambry Genetics
Classification: Uncertain significance for Inborn genetic diseases. Last evaluated: 2025-10-22. Review status: criteria provided, single submitter. Criteria: Ambry Variant Classification Scheme 2023. Collection method: clinical testing. Allele origin: germline.

PreventionGenetics, part of Exact Sciences
Classification: Uncertain significance for PHGDH-related condition. Last evaluated: 2025-06-26. Review status: criteria provided, single submitter. Criteria: ACMG Guidelines, 2015. Collection method: clinical testing. Allele origin: germline.
Comment: The PHGDH c.916A>G variant is predicted to result in the amino acid substitution p.Met306Val. To our knowledge, this variant has not been reported in the literature. This variant is reported in 0.070% of alleles in individuals of East Asian descent in gnomAD. At this time, the clinical significance of this variant is uncertain due to the absence of conclusive functional and genetic evidence.

Labcorp Genetics (formerly Invitae), Labcorp
Classification: Uncertain significance for PHGDH deficiency. Last evaluated: 2024-10-22. Review status: criteria provided, single submitter. Criteria: Invitae Variant Classification Sherloc (09022015). Collection method: clinical testing. Allele origin: germline.
Comment: This sequence change replaces methionine, which is neutral and non-polar, with valine, which is neutral and non-polar, at codon 306 of the PHGDH protein (p.Met306Val). This variant is present in population databases (rs587648058, gnomAD 0.07%). This variant has not been reported in the literature in individuals affected with PHGDH-related conditions. ClinVar contains an entry for this variant (Variation ID: 292316). Invitae Evidence Modeling of protein sequence and biophysical properties (such as structural, functional, and spatial information, amino acid conservation, physicochemical variation, residue mobility, and thermodynamic stability) has been performed for this missense variant. However, the output from this modeling did not meet the statistical confidence thresholds required to predict the impact of this variant on PHGDH protein function. In summary, the available evidence is currently insufficient to determine the role of this variant in disease. Therefore, it has been classified as a Variant of Uncertain Significance.

GeneDx
Classification: Uncertain significance. Last evaluated: 2024-05-01. Review status: criteria provided, single submitter. Criteria: GeneDx Variant Classification Process June 2021. Collection method: clinical testing. Allele origin: germline. Affected: yes.
Comment: In silico analysis indicates that this missense variant does not alter protein structure/function; Has not been previously published as pathogenic or benign to our knowledge

Genome-Nilou Lab
Classification: Uncertain significance for Neu-Laxova syndrome 1. Last evaluated: 2023-04-11. Review status: criteria provided, single submitter. Criteria: ACMG Guidelines, 2015. Collection method: clinical testing. Allele origin: germline. Affected: no.

Genome-Nilou Lab
Classification: Uncertain significance for PHGDH deficiency. Last evaluated: 2023-04-11. Review status: criteria provided, single submitter. Criteria: ACMG Guidelines, 2015. Collection method: clinical testing. Allele origin: germline. Affected: no.

Baylor Genetics
Classification: Uncertain significance for Neu-Laxova syndrome 1. Last evaluated: 2018-10-19. Review status: criteria provided, single submitter. Criteria: ACMG Guidelines, 2015. Collection method: clinical testing. Allele origin: paternal. Affected: yes.
Comment: This variant was determined to be of uncertain significance according to ACMG Guidelines, 2015 [PMID:25741868].

Illumina Laboratory Services, Illumina
Classification: Uncertain significance for PHGDH deficiency. Last evaluated: 2018-01-12. Review status: criteria provided, single submitter. Criteria: ICSL Variant Classification Criteria 13 December 2019. Collection method: clinical testing. Allele origin: germline.

Natera, Inc.
Classification: Uncertain significance for Phosphoglycerate dehydrogenase deficiency. Last evaluated: 2019-10-28. Review status: no assertion criteria provided. Collection method: clinical testing. Allele origin: germline. Not counted in ClinVar's aggregate classification.

NM_006623.4(PHGDH):c.916A>G (p.Met306Val)

Gene: PHGDH (phosphoglycerate dehydrogenase; plus strand). Cytogenetic location: 1p12.
Variant type: single nucleotide variant.
Coding change: c.916A>G on transcript NM_006623.4 (MANE Select); coding-DNA position 916, A replaced by G.
Protein change: p.Met306Val; replaces methionine 306 with valine.
Molecular consequence: missense variant.
Genome position (GRCh38, 1-based): chr1:119,737,237, A>G. VCF-style: chr1-119737237-A-G. GRCh37 (hg19) VCF-style: chr1-120279860-A-G.
Other names: short protein forms M306V.
Identifiers: ClinVar variation 292316 (VCV000292316.21), dbSNP rs587648058, ClinGen allele CA1037291.
Genomic context (GRCh38, chr1:119,737,237, plus strand): 5'-GCCAGCACCAAGGAGGCTCAGAGCCGCTGTGGGGAGGAAATTGCTGTTCAGTTCGTGGAC[A>G]TGGTGAAGGGGAAATCTCTCACGGGGGTTGTAAGTATCACCACCTGGGGCTGGGGGCCAG-3'
Protein context (NP_006614.2, residues 296-316): GEEIAVQFVD[Met306Val]VKGKSLTGVV